The following is an entry in ClinVar:

NM_001099857.5(IKBKG):c.9G>C (p.Arg3Ser)

Gene: IKBKG (inhibitor of nuclear factor kappa B kinase regulatory subunit gamma; plus strand). Cytogenetic location: Xq28.
Variant type: single nucleotide variant.
Coding change: c.9G>C on transcript NM_001099857.5 (MANE Select); coding-DNA position 9, G replaced by C.
Protein change: p.Arg3Ser; replaces arginine 3 with serine.
Molecular consequence: missense variant. On other transcripts: non-coding transcript variant (1).
Genome position (GRCh38, 1-based): chrX:154,552,011, G>C. VCF-style: chrX-154552011-G-C. GRCh37 (hg19) VCF-style: chrX-153780226-G-C.
Other names: c.213G>C, p.Arg71Ser (NM_001099856.6); c.9G>C, p.Arg3Ser (NM_001145255.4, NM_001321396.3, NM_001321397.3 and 5 more transcripts); short protein forms R3S, R71S.
Identifiers: ClinVar variation 2631994 (VCV002631994.1), dbSNP rs781827676, ClinGen allele CA10566429.

ClinVar aggregate classification (germline): Uncertain significance (1 of 4 stars; one submission).

Conditions:
IKBKG-related disorder. Also called: IKBKG-related condition.

Allele frequency attached by ClinVar (database versions not stated): TOPMed below 0.00001; ExAC 0.00001; gnomAD exomes 0.00001.
gnomAD v4.1: 6 of 1,088,057 alleles (0.00055%); highest among the groups gnomAD compares: South Asian, 0.0054%; no homozygotes.

Submission:

PreventionGenetics, part of Exact Sciences
Classification: Uncertain significance for IKBKG-related condition. Last evaluated: 2022-10-23. Review status: criteria provided, single submitter. Criteria: ACMG Guidelines, 2015. Collection method: clinical testing. Allele origin: germline.
Comment: The IKBKG c.9G>C variant is predicted to result in the amino acid substitution p.Arg3Ser. To our knowledge, this variant has not been reported in the literature. This variant is reported in 0.0017% of alleles in individuals of European (Non-Finnish) descent in gnomAD. At this time, the clinical significance of this variant is uncertain due to the absence of conclusive functional and genetic evidence.